The following is an entry in ClinVar:

NM_152743.4(BRAT1):c.566G>T (p.Gly189Val)

Gene: BRAT1 (BRCA1 associated ATM activator 1; minus strand). Cytogenetic location: 7p22.3.
Variant type: single nucleotide variant.
Coding change: c.566G>T on transcript NM_152743.4 (MANE Select); coding-DNA position 566, G replaced by T.
Protein change: p.Gly189Val; replaces glycine 189 with valine.
Molecular consequence: missense variant. On other transcripts: non-coding transcript variant (1).
Genome position (GRCh38, 1-based): chr7:2,543,827, C>A on the plus strand (G>T on the coding strand, the complement: BRAT1 is on the minus strand). VCF-style: chr7-2543827-C-A. GRCh37 (hg19) VCF-style: chr7-2583461-C-A.
Other names: c.566G>T, p.Gly189Val (NM_001350626.2); c.41G>T, p.Gly14Val (NM_001350627.2); short protein forms G189V, G14V.
Identifiers: ClinVar variation 472972 (VCV000472972.16), dbSNP rs531827528, ClinGen allele CA4128160.

ClinVar aggregate classification (germline): Benign/Likely benign. Review status: criteria provided, multiple submitters, no conflicts (2 of 4 stars). 5 submissions from 5 submitters: Benign (1); Likely benign (4). Last evaluated 2026-01-19.

Conditions:
BRAT1-related disorder. Also called: BRAT1-related disorders; BRAT1-related condition.
Neonatal-onset encephalopathy with rigidity and seizures. Also called: Lethal neonatal spasticity-epileptic encephalopathy syndrome. Identifiers: Orphanet 435845, MedGen C3281029, MONDO:0013784, OMIM 614498.

Allele frequency attached by ClinVar (database versions not stated): TOPMed 0.00002.
gnomAD v4.1: 101 of 1,612,374 alleles (0.0063%); highest among the groups gnomAD compares: Admixed American, 0.17%; 2 homozygotes.

Submissions (5):

Labcorp Genetics (formerly Invitae), Labcorp
Classification: Benign for Neonatal-onset encephalopathy with rigidity and seizures. Last evaluated: 2026-01-19. Review status: criteria provided, single submitter. Criteria: Invitae Variant Classification Sherloc (09022015). Collection method: clinical testing. Allele origin: germline.

PreventionGenetics, part of Exact Sciences
Classification: Likely benign for BRAT1-related condition. Last evaluated: 2025-05-15. Review status: criteria provided, single submitter. Criteria: ACMG Guidelines, 2015. Collection method: clinical testing. Allele origin: germline.
Comment: This variant is classified as likely benign based on ACMG/AMP sequence variant interpretation guidelines (Richards et al. 2015 PMID: 25741868, with internal and published modifications).

ARUP Laboratories, Molecular Genetics and Genomics, ARUP Laboratories
Classification: Likely benign. Last evaluated: 2024-11-22. Review status: criteria provided, single submitter. Criteria: ARUP Molecular Germline Variant Investigation Process 2024. Collection method: clinical testing. Allele origin: germline.

GeneDx
Classification: Likely benign. Last evaluated: 2020-01-13. Review status: criteria provided, single submitter. Criteria: GeneDx Variant Classification Process June 2021. Collection method: clinical testing. Allele origin: germline. Affected: yes.

Breakthrough Genomics
Classification: Likely benign. Review status: criteria provided, single submitter. Criteria: ACMG Guidelines, 2015. Collection method: not provided. Allele origin: germline. Inheritance: Autosomal recessive inheritance. Affected: yes.